The following is an entry in ClinVar:

NM_005050.4(ABCD4):c.995C>T (p.Thr332Met)

Gene: ABCD4 (ATP binding cassette subfamily D member 4; minus strand). Cytogenetic location: 14q24.3.
Variant type: single nucleotide variant.
Coding change: c.995C>T on transcript NM_005050.4 (MANE Select); coding-DNA position 995, C replaced by T.
Protein change: p.Thr332Met; replaces threonine 332 with methionine.
Molecular consequence: missense variant. On other transcripts: non-coding transcript variant (10).
Genome position (GRCh38, 1-based): chr14:74,292,584, G>A on the plus strand (C>T on the coding strand, the complement: ABCD4 is on the minus strand). VCF-style: chr14-74292584-G-A. GRCh37 (hg19) VCF-style: chr14-74759287-G-A.
Other names: c.518C>T, p.Thr173Met (NM_001353600.2, NM_001353601.2, NM_020324.3 and 2 more transcripts); c.206C>T, p.Thr69Met (NM_001353602.2, NM_001353603.2, NM_001353604.2 and 6 more transcripts); c.866C>T, p.Thr289Met (NM_020323.1); c.995C>T, p.Thr332Met (NM_020325.3); c.869C>T, p.Thr290Met (NM_001353591.2, NM_001353592.2); c.734C>T, p.Thr245Met (NM_001353593.2); c.683C>T, p.Thr228Met (NM_001353594.2); c.581C>T, p.Thr194Met (NM_001353595.2, NM_001353596.2); and 1 more; short protein forms T245M, T177M, T332M, T173M, T289M, T290M, T69M, T194M.
Identifiers: ClinVar variation 2737731 (VCV002737731.1), dbSNP rs780272622, ClinGen allele CA7266976.

ClinVar aggregate classification (germline): Uncertain significance (1 of 4 stars; one submission).

Conditions:
Methylmalonic acidemia with homocystinuria, type cblJ (MAHCJ). Also called: METHYLMALONIC ACIDURIA AND HOMOCYSTINURIA, cblJ TYPE. Identifiers: Orphanet 369955, MedGen C3553915, MONDO:0013925, OMIM 614857.

Allele frequency attached by ClinVar (database versions not stated): ExAC 0.00001.
gnomAD v4.1: 16 of 1,613,952 alleles (0.00099%); highest among the groups gnomAD compares: African/African-American, 0.008%; no homozygotes.

Submission:

Labcorp Genetics (formerly Invitae), Labcorp
Classification: Uncertain significance for Methylmalonic acidemia with homocystinuria, type cblJ. Last evaluated: 2023-11-24. Review status: criteria provided, single submitter. Criteria: Invitae Variant Classification Sherloc (09022015). Collection method: clinical testing. Allele origin: germline.
Comment: This sequence change replaces threonine, which is neutral and polar, with methionine, which is neutral and non-polar, at codon 332 of the ABCD4 protein (p.Thr332Met). This variant is present in population databases (rs780272622, gnomAD 0.009%). This variant has not been reported in the literature in individuals affected with ABCD4-related conditions. Advanced modeling of protein sequence and biophysical properties (such as structural, functional, and spatial information, amino acid conservation, physicochemical variation, residue mobility, and thermodynamic stability) performed at Invitae indicates that this missense variant is not expected to disrupt ABCD4 protein function with a negative predictive value of 95%. In summary, the available evidence is currently insufficient to determine the role of this variant in disease. Therefore, it has been classified as a Variant of Uncertain Significance.